The following is an entry in ClinVar:

ClinVar aggregate classification (germline): Uncertain significance (1 of 4 stars; one submission).

Conditions:
Malignant hyperthermia, susceptibility to, 1 (MHS1). Also called: Anesthesia related hyperthermia; Malignant hyperpyrexia; Fulminating hyperpyrexia; Pharmacogenic myopathy; Malignant hyperthermia suceptibility 1; RYR1-Related Malignant Hyperthermia Susceptibility. Identifiers: Orphanet 423, MedGen C2930980, MONDO:0007783, OMIM 145600.

gnomAD v4.1: 1 of 1,613,906 alleles (0.000062%); no homozygotes.

Submission:

All of Us Research Program, National Institutes of Health
Classification: Uncertain significance for Malignant hyperthermia, susceptibility to, 1. Last evaluated: 2024-04-16. Review status: criteria provided, single submitter. Criteria: ACMG Guidelines, 2015. Collection method: clinical testing. Allele origin: germline. Inheritance: Autosomal dominant inheritance. Observed: 1 variant allele, 1 heterozygote.
Comment: This variant causes a G to A nucleotide substitution at the +4 position of intron 78 of the RYR1 gene. To our knowledge, RNA studies have not been reported for this variant. This variant has not been reported in individuals affected with RYR1-related disorders in the literature. This variant has not been identified in the general population by the Genome Aggregation Database (gnomAD). The available evidence is insufficient to determine the role of this variant in disease conclusively. Therefore, this variant is classified as a Variant of Uncertain Significance.

This study involves interpretation of variants in research participants for the purpose of population health screening. Participant phenotype was not available at the time of variant classification. Additional details can be found in publication PMID: 35346344, PMCID: PMC8962531

NM_000540.3(RYR1):c.11259+4G>A

Gene: RYR1 (ryanodine receptor 1; plus strand). Cytogenetic location: 19q13.2.
Variant type: single nucleotide variant.
Coding change: c.11259+4G>A on transcript NM_000540.3 (MANE Select); 4 bases into the intron after coding-DNA position 11259, G replaced by A.
Molecular consequence: intron variant.
Genome position (GRCh38, 1-based): chr19:38,532,740, G>A. VCF-style: chr19-38532740-G-A. GRCh37 (hg19) VCF-style: chr19-39023380-G-A.
Other names: c.11244+4G>A (NM_001042723.2).
Identifiers: ClinVar variation 3385553 (VCV003385553.1).